The following is an entry in ClinVar:

NM_001247997.2(CLIP1):c.1371A>G (p.Gln457=)

Gene: CLIP1 (CAP-Gly domain containing linker protein 1; minus strand). Cytogenetic location: 12q24.31.
Variant type: single nucleotide variant.
Coding change: c.1371A>G on transcript NM_001247997.2 (MANE Select); coding-DNA position 1371, A replaced by G.
Protein change: p.Gln457=; no amino-acid change (glutamine 457 retained).
Molecular consequence: synonymous variant. On other transcripts: intron variant (3).
Genome position (GRCh38, 1-based): chr12:122,351,141, T>C on the plus strand (A>G on the coding strand, the complement: CLIP1 is on the minus strand). VCF-style: chr12-122351141-T-C. GRCh37 (hg19) VCF-style: chr12-122835688-T-C.
Other names: NC_000012.11:g.122835688T>C; c.1368+1585A>G (NM_198240.3, NM_001389291.1, NM_002956.3).
Identifiers: ClinVar variation 2643498 (VCV002643498.25), dbSNP rs117592229, ClinGen allele CA6845591.

ClinVar aggregate classification (germline): Benign (1 of 4 stars; one submission).

Allele frequency attached by ClinVar (database versions not stated): 1000 Genomes Project 0.00319; 1000 Genomes Project 30x 0.00328; TOPMed 0.00646; ESP Exome Variant Server 0.00647; gnomAD 0.00690; ExAC 0.01839.
gnomAD v4.1: 13,665 of 1,496,404 alleles (0.91%); highest among the groups gnomAD compares: Non-Finnish European, 1.1%; 81 homozygotes.

Submissions (20):

CeGaT Center for Human Genetics Tuebingen
Classification: Benign. Last evaluated: 2024-06-01. Review status: criteria provided, single submitter. Criteria: CeGaT Center For Human Genetics Tuebingen Variant Classification Criteria Version 2. Collection method: clinical testing. Allele origin: germline. Affected: yes. Observed: 2 variant alleles.
Comment: CLIP1: BS1, BS2

Dr. Peter K. Rogan Lab, Western University
No classification provided (evidence only). Condition: Lung cancer. Review status: no classification provided. Collection method: in vitro. Allele origin: not applicable. Functional consequence: retained intron. Not counted in ClinVar's aggregate classification.

Dr. Peter K. Rogan Lab, Western University
No classification provided (evidence only). Condition: Lung cancer. Review status: no classification provided. Collection method: in vitro. Allele origin: not applicable. Functional consequence: retained intron. Not counted in ClinVar's aggregate classification.

Dr. Peter K. Rogan Lab, Western University
No classification provided (evidence only). Condition: Melanoma. Review status: no classification provided. Collection method: in vitro. Allele origin: not applicable. Functional consequence: skipped exon, retained intron. Not counted in ClinVar's aggregate classification.

Dr. Peter K. Rogan Lab, Western University
No classification provided (evidence only). Condition: Melanoma. Review status: no classification provided. Collection method: in vitro. Allele origin: not applicable. Functional consequence: retained intron. Not counted in ClinVar's aggregate classification.

Dr. Peter K. Rogan Lab, Western University
No classification provided (evidence only). Condition: Melanoma. Review status: no classification provided. Collection method: in vitro. Allele origin: not applicable. Functional consequence: retained intron. Not counted in ClinVar's aggregate classification.

Dr. Peter K. Rogan Lab, Western University
No classification provided (evidence only). Condition: Acute myeloid leukemia. Review status: no classification provided. Collection method: in vitro. Allele origin: not applicable. Functional consequence: retained intron. Not counted in ClinVar's aggregate classification.

Dr. Peter K. Rogan Lab, Western University
No classification provided (evidence only). Condition: Acute myeloid leukemia. Review status: no classification provided. Collection method: in vitro. Allele origin: not applicable. Functional consequence: retained intron. Not counted in ClinVar's aggregate classification.

Dr. Peter K. Rogan Lab, Western University
No classification provided (evidence only). Condition: Acute myeloid leukemia. Review status: no classification provided. Collection method: in vitro. Allele origin: not applicable. Functional consequence: skipped exon, retained intron. Not counted in ClinVar's aggregate classification.

Dr. Peter K. Rogan Lab, Western University
No classification provided (evidence only). Condition: Acute myeloid leukemia. Review status: no classification provided. Collection method: in vitro. Allele origin: not applicable. Functional consequence: retained intron. Not counted in ClinVar's aggregate classification.

Dr. Peter K. Rogan Lab, Western University
No classification provided (evidence only). Condition: Thyroid cancer, nonmedullary, 1. Review status: no classification provided. Collection method: in vitro. Allele origin: not applicable. Functional consequence: retained intron. Not counted in ClinVar's aggregate classification.

Dr. Peter K. Rogan Lab, Western University
No classification provided (evidence only). Condition: Thyroid cancer, nonmedullary, 1. Review status: no classification provided. Collection method: in vitro. Allele origin: not applicable. Functional consequence: skipped exon. Not counted in ClinVar's aggregate classification.

Dr. Peter K. Rogan Lab, Western University
No classification provided (evidence only). Condition: Uterine corpus endometrial carcinoma. Review status: no classification provided. Collection method: in vitro. Allele origin: not applicable. Functional consequence: retained intron. Not counted in ClinVar's aggregate classification.

Dr. Peter K. Rogan Lab, Western University
No classification provided (evidence only). Condition: Cervical cancer. Review status: no classification provided. Collection method: in vitro. Allele origin: not applicable. Functional consequence: retained intron. Not counted in ClinVar's aggregate classification.

Dr. Peter K. Rogan Lab, Western University
No classification provided (evidence only). Condition: Sarcoma. Review status: no classification provided. Collection method: in vitro. Allele origin: not applicable. Functional consequence: skipped exon. Not counted in ClinVar's aggregate classification.

Dr. Peter K. Rogan Lab, Western University
No classification provided (evidence only). Condition: Cholangiocarcinoma. Review status: no classification provided. Collection method: in vitro. Allele origin: not applicable. Functional consequence: retained intron. Not counted in ClinVar's aggregate classification.

Dr. Peter K. Rogan Lab, Western University
No classification provided (evidence only). Condition: Ovarian serous cystadenocarcinoma. Review status: no classification provided. Collection method: in vitro. Allele origin: not applicable. Functional consequence: retained intron. Not counted in ClinVar's aggregate classification.

Dr. Peter K. Rogan Lab, Western University
No classification provided (evidence only). Condition: Ovarian serous cystadenocarcinoma. Review status: no classification provided. Collection method: in vitro. Allele origin: not applicable. Functional consequence: skipped exon. Not counted in ClinVar's aggregate classification.

Dr. Peter K. Rogan Lab, Western University
No classification provided (evidence only). Condition: Gastric cancer. Review status: no classification provided. Collection method: in vitro. Allele origin: not applicable. Functional consequence: cryptic splice site, retained intron. Not counted in ClinVar's aggregate classification.

Dr. Peter K. Rogan Lab, Western University
No classification provided (evidence only). Condition: Malignant tumor of esophagus. Review status: no classification provided. Collection method: in vitro. Allele origin: not applicable. Functional consequence: retained intron. Not counted in ClinVar's aggregate classification.